The following is an entry in ClinVar:

ClinVar aggregate classification (germline): Likely pathogenic. Review status: criteria provided, single submitter (1 of 4 stars). 2 submissions from 2 submitters: Likely pathogenic (1). 1 of the submissions does not count toward it. Last evaluated 2020-11-06.

Conditions:
Hypophosphatasia. Also called: Phosphoethanol-aminuria. Identifiers: Orphanet 436, MedGen C0020630, MeSH D007014, MONDO:0018570.

Submissions (2):

GeneDx
Classification: Likely pathogenic. Last evaluated: 2020-11-06. Review status: criteria provided, single submitter. Criteria: GeneDx Variant Classification Process June 2021. Collection method: clinical testing. Allele origin: germline. Affected: yes.
Comment: Frameshift variant predicted to result in protein truncation or nonsense mediated decay in a gene for which loss-of-function is a known mechanism of disease; Not observed in large population cohorts (Lek et al., 2016); Has not been previously published as pathogenic or benign to our knowledge

Natera, Inc.
Classification: Likely pathogenic for Hypophosphatasia. Last evaluated: 2021-03-09. Review status: no assertion criteria provided. Collection method: clinical testing. Allele origin: germline. Not counted in ClinVar's aggregate classification.

NM_000478.6(ALPL):c.205_212del (p.Ala69fs)

Gene: ALPL (alkaline phosphatase, biomineralization associated; plus strand). Cytogenetic location: 1p36.12.
Variant type: Deletion.
Coding change: c.205_212del on transcript NM_000478.6 (MANE Select); coding-DNA positions 205 to 212, 8 bases deleted (GCTGCCCG; older notation c.205_212delGCTGCCCG).
Protein change: p.Ala69fs; shifts the reading frame from alanine 69.
Molecular consequence: frameshift variant. On other transcripts: intron variant (1).
Genome position (GRCh38, 1-based): chr1:21,561,120-21,561,127, GCTGCCCG deleted; deleting any 8 consecutive bases within chr1:21,561,118-21,561,127 gives the same sequence; the c. name uses the placement nearest the transcript's 3' end. VCF-style (leftmost placement, unchanged base first): chr1-21561117-ACGGCTGCC-A. GRCh37 (hg19) VCF-style: chr1-21887610-ACGGCTGCC-A.
Other names: c.40_47del, p.Ala14fs (NM_001127501.4); c.205_212del, p.Ala69fs (NM_001369803.2, NM_001369804.2, NM_001369805.2); c.66+375_66+382del (NM_001177520.3); c.205_212delGCTGCCCG (NM_000478.4); short protein forms A14fs, A69fs.
Identifiers: ClinVar variation 504032 (VCV000504032.4), dbSNP rs1553411896, ClinGen allele CA658795411.
Genomic context (GRCh38, chr1:21,561,117, plus strand): 5'-CAGGAGCACGAGAGACTGAGGCCCCCACTCCCCACTGCAGGGATGGGTGTCTCCACAGTG[ACGGCTGCC>A]CGCATCCTCAAGGGTCAGCTCCACCACAACCCTGGGGAGGAGACCAGGCTGGAGATGGAC-3'